The following is an entry in ClinVar:

ClinVar aggregate classification (germline): Likely pathogenic (1 of 4 stars; one submission).

Conditions:
Glycine encephalopathy. Also called: Non-ketotic hyperglycinemia; Nonketotic hyperglycinemia. Identifiers: Orphanet 407, MedGen C0751748, MONDO:0011612, HP:0008288.

Submission:

Myriad Genetics, Inc.
Classification: Likely pathogenic for Glycine encephalopathy 1. Last evaluated: 2022-02-25. Review status: criteria provided, single submitter. Criteria: Myriad Women's Health Autosomal Recessive and X-Linked Classification Criteria (2021). Collection method: clinical testing. Allele origin: unknown.
Comment: NM_000170.2(GLDC):c.2680delA(T894Pfs*30) is expected to be pathogenic in the context of glycine encephalopathy, GLDC-related. This variant is predicted to lead to an abnormal or absent protein product due to the creation of a premature termination codon in GLDC, a gene where loss-of-function variants are known to be pathogenic. Please note: this variant was assessed in the context of healthy population screening.

NM_000170.3(GLDC):c.2680del (p.Thr894fs)

Gene: GLDC (glycine decarboxylase; minus strand). Cytogenetic location: 9p24.1.
Variant type: Deletion.
Coding change: c.2680del on transcript NM_000170.3 (MANE Select); coding-DNA position 2680, one base deleted (A; older notation c.2680delA).
Protein change: p.Thr894fs; shifts the reading frame from threonine 894.
Molecular consequence: frameshift variant.
Genome position (GRCh38, 1-based): chr9:6,536,222, T deleted on the plus strand (A on the coding strand, the reverse complement: GLDC is on the minus strand). VCF-style (leftmost placement, unchanged base first): chr9-6536221-GT-G. GRCh37 (hg19) VCF-style: chr9-6536221-GT-G.
Other names: short protein forms T894fs.
Identifiers: ClinVar variation 1724771 (VCV001724771.2), dbSNP rs2489011561, ClinGen allele CA2580080273.
Genomic context (GRCh38, chr9:6,536,221, plus strand): 5'-GCCTTGTCCTCCGACTCAGTGGGCTCCACCATGAGGGTCCCTGCCACAGGCCAGGACATG[GT>G]AGGGGCGTGAAATCCTGCAAAGGGAGACAGGAGAACTTGCCTCACTGAAGGTCAGTGGCC-3'